The following is an entry in ClinVar:

ClinVar aggregate classification (germline): Likely pathogenic (1 of 4 stars; one submission).

Conditions:
Emery-Dreifuss muscular dystrophy 4, autosomal dominant (EDMD4). Also called: EMERY-DREIFUSS MUSCULAR DYSTROPHY 4 WITH VARIABLE FEATURES. Identifiers: Orphanet 261, MedGen C2751807, MONDO:0013071, OMIM 612998.
Arthrogryposis multiplex congenita 3, myogenic type. Also called: ARTHROGRYPOSIS MULTIPLEX CONGENITA, MYOGENIC TYPE. Identifiers: MedGen C5193121, MONDO:0032778, OMIM 618484.
Autosomal recessive ataxia, Beauce type. Also called: Spinocerebellar ataxia, autosomal recessive 8; ATAXIA, RECESSIVE, OF BEAUCE; SYNE1 Deficiency; SYNE1-Related Autosomal Recessive Cerebellar Ataxia. Identifiers: Orphanet 88644, MedGen C1853116, MONDO:0012549, OMIM 610743.

Submission:

Juno Genomics, Hangzhou Juno Genomics, Inc
Classification: Likely pathogenic for Autosomal recessive ataxia, Beauce type; Arthrogryposis multiplex congenita 3, myogenic type; Emery-Dreifuss muscular dystrophy 4, autosomal dominant. Review status: criteria provided, single submitter. Criteria: ACMG Guidelines, 2015. Collection method: clinical testing. Allele origin: germline. Affected: yes.
Comment: Absent from controls (or at extremely low frequency if recessive) in Genome Aggregation Database, Exome Sequencing Project, 1000 Genomes Project, or Exome Aggregation Consortium.;Null variant in a gene where loss of function (LOF) is a known mechanism of disease.

NM_182961.4(SYNE1):c.18403C>T (p.Gln6135Ter)

Gene: SYNE1 (spectrin repeat containing nuclear envelope protein 1; minus strand). Cytogenetic location: 6q25.2.
Variant type: single nucleotide variant.
Coding change: c.18403C>T on transcript NM_182961.4 (MANE Select); coding-DNA position 18403, C replaced by T.
Protein change: p.Gln6135Ter; replaces glutamine 6135 with a stop codon.
Molecular consequence: nonsense.
Genome position (GRCh38, 1-based): chr6:152,278,259, G>A on the plus strand (C>T on the coding strand, the complement: SYNE1 is on the minus strand). VCF-style: chr6-152278259-G-A. GRCh37 (hg19) VCF-style: chr6-152599394-G-A.
Other names: c.18190C>T, p.Gln6064Ter (NM_033071.5); short protein forms Q6064*, Q6135*.
Identifiers: ClinVar variation 4796572 (VCV004796572.1).